The following is an entry in ClinVar:

ClinVar aggregate classification (germline): Uncertain significance (1 of 4 stars; one submission).

Conditions:
Long QT syndrome (LQTS). Identifiers: MedGen C0023976, MeSH D008133, MONDO:0002442. Disease mechanism: loss of function. Inheritance: Various modes of inheritance.

gnomAD v4.1: 1 of 1,614,142 alleles (0.000062%); highest among the groups gnomAD compares: Non-Finnish European, 0.000085%; no homozygotes.

Submission:

Labcorp Genetics (formerly Invitae), Labcorp
Classification: Uncertain significance for Long QT syndrome. Last evaluated: 2025-03-31. Review status: criteria provided, single submitter. Criteria: Invitae Variant Classification Sherloc (09022015). Collection method: clinical testing. Allele origin: germline.
Comment: This sequence change replaces tyrosine, which is neutral and polar, with phenylalanine, which is neutral and non-polar, at codon 2150 of the ANK2 protein (p.Tyr2150Phe). This variant is not present in population databases (gnomAD no frequency). This variant has not been reported in the literature in individuals affected with ANK2-related conditions. An algorithm developed to predict the effect of missense changes on protein structure and function (PolyPhen-2) suggests that this variant is likely to be disruptive. In summary, the available evidence is currently insufficient to determine the role of this variant in disease. Therefore, it has been classified as a Variant of Uncertain Significance.

NM_001148.6(ANK2):c.6449A>T (p.Tyr2150Phe)

Gene: ANK2 (ankyrin 2; plus strand). Cytogenetic location: 4q26.
Variant type: single nucleotide variant.
Coding change: c.6449A>T on transcript NM_001148.6 (MANE Select); coding-DNA position 6449, A replaced by T.
Protein change: p.Tyr2150Phe; replaces tyrosine 2150 with phenylalanine.
Molecular consequence: missense variant. On other transcripts: intron variant (68).
Genome position (GRCh38, 1-based): chr4:113,355,067, A>T. VCF-style: chr4-113355067-A-T. GRCh37 (hg19) VCF-style: chr4-114276223-A-T.
Other names: c.4201+4818A>T (NM_001354270.2, NM_001354253.2); c.4165+4818A>T (NM_001354257.2, NM_001386156.1); c.4240+4818A>T (NM_001354249.2, NM_001354266.2, NM_001354276.2 and 2 more transcripts); c.4207+4818A>T (NM_001386146.1, NM_001386150.1, NM_001386149.1 and 1 more transcripts); c.4192+4818A>T (NM_001354274.2, NM_001386154.1); c.4141+4818A>T (NM_001386151.1, NM_001354260.2, NM_001354271.2); c.4042+4818A>T (NM_001386157.1, NM_001354277.2); c.4360+4818A>T (NM_001386161.1, NM_001354244.2, NM_001354256.2); and 35 more; short protein forms Y2072F, Y2150F, Y2189F, Y2197F, Y950F.
Identifiers: ClinVar variation 4799495 (VCV004799495.1).